The following is an entry in ClinVar:

NM_007294.4(BRCA1):c.2682del (p.Lys894fs)

Gene: BRCA1 (BRCA1 DNA repair associated; minus strand). Cytogenetic location: 17q21.31.
Variant type: Deletion.
Coding change: c.2682del on transcript NM_007294.4 (MANE Select); coding-DNA position 2682, one base deleted (A; older notation c.2682delA).
Protein change: p.Lys894fs; shifts the reading frame from lysine 894.
Molecular consequence: frameshift variant. On other transcripts: intron variant (137).
Genome position (GRCh38, 1-based): chr17:43,092,849, T deleted on the plus strand (A on the coding strand, the reverse complement: BRCA1 is on the minus strand); the first of 3 consecutive T bases (chr17:43,092,849-43,092,851); deleting any one gives the same sequence. VCF-style (leftmost placement, unchanged base first): chr17-43092848-GT-G. GRCh37 (hg19) VCF-style: chr17-41244865-GT-G.
Other names: 2801delA; c.2682delA (NM_007294.3); c.2472del, p.Lys824fs (NM_001407882.1, NM_001407884.1, NM_001407885.1 and 13 more transcripts); c.2469del, p.Lys823fs (NM_001407894.1, NM_001407895.1, NM_001407896.1 and 9 more transcripts); c.2559del, p.Lys853fs (NM_001407919.1, NM_001407937.1, NM_001407938.1 and 19 more transcripts); c.2418del, p.Lys806fs (NM_001407920.1, NM_001407921.1, NM_001407922.1 and 9 more transcripts); c.2415del, p.Lys805fs (NM_001407930.1, NM_001407931.1, NM_001407932.1 and 2 more transcripts); c.2556del, p.Lys852fs (NM_001407940.1, NM_001407941.1, NM_001407649.1 and 11 more transcripts); and 43 more; short protein forms K847fs, K894fs, K767fs, K782fs, K783fs, K824fs, K826fs, K766fs.
Identifiers: ClinVar variation 54643 (VCV000054643.9), dbSNP rs80357971, ClinGen allele CA001762.

ClinVar aggregate classification (germline): Pathogenic. Review status: reviewed by expert panel (3 of 4 stars). 3 submissions from 3 submitters: Pathogenic (1). 2 of the submissions do not count toward it. Last evaluated 2016-10-18.

Conditions:
Hereditary cancer-predisposing syndrome. Also called: Tumor predisposition; Neoplastic Syndromes, Hereditary; Hereditary Cancer Syndrome; Hereditary neoplastic syndrome. Identifiers: Orphanet 140162, MedGen C0027672, MeSH D009386, MONDO:0015356.
Breast-ovarian cancer, familial, susceptibility to, 1 (BROVCA1). Also called: OVARIAN CANCER, SUSCEPTIBILITY TO; BRCA1 Hereditary Breast and Ovarian Cancer. Identifiers: Orphanet 145, MedGen C2676676, MONDO:0011450, OMIM 604370. Disease mechanism: loss of function.

Submissions (3):

Evidence-based Network for the Interpretation of Germline Mutant Alleles (ENIGMA)
Classification: Pathogenic for Breast-ovarian cancer, familial, susceptibility to, 1. Last evaluated: 2016-10-18. Review status: reviewed by expert panel. Criteria: ENIGMA BRCA1/2 Classification Criteria (2015). Collection method: curation. Allele origin: germline.
Comment: Variant allele predicted to encode a truncated non-functional protein.

Ambry Genetics
Classification: Pathogenic for Hereditary cancer-predisposing syndrome. Last evaluated: 2021-01-19. Review status: criteria provided, single submitter. Criteria: Ambry Variant Classification Scheme 2023. Collection method: clinical testing. Allele origin: germline. Not counted in ClinVar's aggregate classification.
Comment: The c.2682delA pathogenic mutation, located in coding exon 9 of the BRCA1 gene, results from a deletion of one nucleotide at nucleotide position 2682, causing a translational frameshift with a predicted alternate stop codon (p.K894Nfs*106). This alteration was identified in a large, worldwide study of BRCA1/2 mutation positive families (Rebbeck TR et al. Hum Mutat, 2018 05;39:593-620). In addition to the clinical data presented in the literature, this alteration is expected to result in loss of function by premature protein truncation or nonsense-mediated mRNA decay. As such, this alteration is interpreted as a disease-causing mutation.

Consortium of Investigators of Modifiers of BRCA1/2 (CIMBA), c/o University of Cambridge
Classification: Pathogenic for Breast-ovarian cancer, familial, susceptibility to, 1. Last evaluated: 2015-10-02. Review status: criteria provided, single submitter. Criteria: CIMBA Mutation Classification guidelines May 2016. Collection method: clinical testing. Allele origin: germline. Not counted in ClinVar's aggregate classification.

Literature cited by the submitters: PubMed 29446198 (cited by Ambry Genetics).